The following is an entry in ClinVar:

NM_007294.4(BRCA1):c.5193+1271A>G

Gene: BRCA1 (BRCA1 DNA repair associated; minus strand). Cytogenetic location: 17q21.31.
Variant type: single nucleotide variant.
Coding change: c.5193+1271A>G on transcript NM_007294.4 (MANE Select); 1271 bases into the intron after coding-DNA position 5193, A replaced by G.
Molecular consequence: intron variant.
Genome position (GRCh38, 1-based): chr17:43,062,062, T>C on the plus strand (A>G on the coding strand, the complement: BRCA1 is on the minus strand). VCF-style: chr17-43062062-T-C. GRCh37 (hg19) VCF-style: chr17-41214079-T-C.
Other names: IVS 19+1271A>G; c.5109+1271A>G (NM_001407659.1, NM_001407662.1, NM_001407660.1 and 2 more transcripts); c.1803+1271A>G (NM_001408412.1, NM_001408413.1, NM_001408416.1 and 2 more transcripts); c.5112+1271A>G (NM_001407656.1, NM_001407657.1, NM_001407658.1); c.5115+1271A>G (NM_001407654.1, NM_001407652.1, NM_001407653.1 and 1 more transcripts); c.1542+1271A>G (NM_001408509.1); c.1545+1271A>G (NM_001408508.1); c.1671+1271A>G (NM_001408491.1, NM_001408481.1, NM_001408490.1 and 5 more transcripts); and 73 more.
Identifiers: ClinVar variation 209319 (VCV000209319.2), dbSNP rs8176264, ClinGen allele CA276291.

ClinVar aggregate classification (germline): Benign (3 of 4 stars; one submission).

Conditions:
Breast-ovarian cancer, familial, susceptibility to, 1 (BROVCA1). Also called: BRCA1 Hereditary Breast and Ovarian Cancer; OVARIAN CANCER, SUSCEPTIBILITY TO. Identifiers: Orphanet 145, MedGen C2676676, MONDO:0011450, OMIM 604370. Disease mechanism: loss of function.

Allele frequency attached by ClinVar (database versions not stated): 1000 Genomes Project 0.01398; 1000 Genomes Project 30x 0.01421; gnomAD 0.01435 and 0.01536; TOPMed 0.01529.
gnomAD v4.1: 2,158 of 152,260 alleles (1.4%); highest among the groups gnomAD compares: African/African-American, 5%; 70 homozygotes.

Submission:

Evidence-based Network for the Interpretation of Germline Mutant Alleles (ENIGMA)
Classification: Benign for Breast-ovarian cancer, familial 1. Last evaluated: 2015-01-12. Review status: reviewed by expert panel. Criteria: ENIGMA BRCA1/2 Classification Criteria (2015). Collection method: curation. Allele origin: germline.
Comment: Class 1 not pathogenic based on frequency >1% in an outbred sampleset. Frequency 0.06504 (African), derived from 1000 genomes (2012-04-30).